The following is an entry in ClinVar:

NM_001039348.3(EFEMP1):c.623G>A (p.Arg208Gln)

Gene: EFEMP1 (EGF-like fibulin extracellular matrix protein 1; minus strand). Cytogenetic location: 2p16.1.
Variant type: single nucleotide variant.
Coding change: c.623G>A on transcript NM_001039348.3 (MANE Select); coding-DNA position 623, G replaced by A.
Protein change: p.Arg208Gln; replaces arginine 208 with glutamine.
Molecular consequence: missense variant.
Genome position (GRCh38, 1-based): chr2:55,881,629, C>T on the plus strand (G>A on the coding strand, the complement: EFEMP1 is on the minus strand). VCF-style: chr2-55881629-C-T. GRCh37 (hg19) VCF-style: chr2-56108764-C-T.
Other names: c.623G>A, p.Arg208Gln (NM_001039349.3); short protein forms R208Q.
Identifiers: ClinVar variation 2322345 (VCV002322345.5), dbSNP rs533940631, ClinGen allele CA1668890.

ClinVar aggregate classification (germline): Uncertain significance. Review status: criteria provided, multiple submitters, no conflicts (2 of 4 stars). 2 submissions from 2 submitters: Uncertain significance (2). Last evaluated 2025-05-17.

Conditions:
Inborn genetic diseases. Identifiers: MedGen C0950123, MeSH D030342.

Allele frequency attached by ClinVar (database versions not stated): 1000 Genomes Project 0.00020; gnomAD 0.00001; 1000 Genomes Project 30x 0.00031; ExAC 0.00002.
gnomAD v4.1: 17 of 1,613,856 alleles (0.0011%); highest among the groups gnomAD compares: East Asian, 0.029%; no homozygotes.

Submissions (2):

Labcorp Genetics (formerly Invitae), Labcorp
Classification: Uncertain significance. Last evaluated: 2025-05-17. Review status: criteria provided, single submitter. Criteria: Invitae Variant Classification Sherloc (09022015). Collection method: clinical testing. Allele origin: germline.
Comment: This sequence change replaces arginine, which is basic and polar, with glutamine, which is neutral and polar, at codon 208 of the EFEMP1 protein (p.Arg208Gln). The frequency data for this variant in the population databases is considered unreliable, as metrics indicate poor data quality at this position in the gnomAD database. This variant has not been reported in the literature in individuals affected with EFEMP1-related conditions. ClinVar contains an entry for this variant (Variation ID: 2322345). Invitae Evidence Modeling of protein sequence and biophysical properties (such as structural, functional, and spatial information, amino acid conservation, physicochemical variation, residue mobility, and thermodynamic stability) indicates that this missense variant is not expected to disrupt EFEMP1 protein function with a negative predictive value of 80%. In summary, the available evidence is currently insufficient to determine the role of this variant in disease. Therefore, it has been classified as a Variant of Uncertain Significance.

Ambry Genetics
Classification: Uncertain significance for Inborn genetic diseases. Last evaluated: 2022-11-03. Review status: criteria provided, single submitter. Criteria: Ambry Variant Classification Scheme 2023. Collection method: clinical testing. Allele origin: germline.